The following is an entry in ClinVar:

ClinVar aggregate classification (germline): Uncertain significance (1 of 4 stars; one submission).

Conditions:
SEMA3G-related disorder. Also called: SEMA3G-related condition.

Submission:

PreventionGenetics, part of Exact Sciences
Classification: Uncertain significance for SEMA3G-related condition. Last evaluated: 2026-06-23. Review status: criteria provided, single submitter. Criteria: ACMG Guidelines, 2015. Collection method: clinical testing. Allele origin: germline.
Comment: The SEMA3G c.640dupT variant is predicted to result in a frameshift and premature protein termination (p.Ser214Phefs*4). To our knowledge, this variant has not been reported in the literature and it is unclear whether loss of function is the mechanism for SEMA3G -related disease. This variant is reported in 0.0085% of alleles in individuals of Latino descent in gnomAD. At this time, the clinical significance of this variant is uncertain due to the absence of conclusive functional and genetic evidence.

NM_020163.3(SEMA3G):c.640dup (p.Ser214fs)

Gene: SEMA3G (semaphorin 3G; minus strand). Cytogenetic location: 3p21.1.
Variant type: Duplication.
Coding change: c.640dup on transcript NM_020163.3 (MANE Select); coding-DNA position 640, one base duplicated (T; older notation c.640dupT).
Protein change: p.Ser214fs; shifts the reading frame from serine 214.
Molecular consequence: frameshift variant.
Genome position (GRCh38, 1-based): chr3:52,441,601, A duplicated on the plus strand (T on the coding strand, the reverse complement: SEMA3G is on the minus strand); the first of 2 consecutive A bases (chr3:52,441,601-52,441,602); duplicating either gives the same sequence. VCF-style (leftmost placement, unchanged base first): chr3-52441600-G-GA. GRCh37 (hg19) VCF-style: chr3-52475616-G-GA.
Other names: short protein forms S214fs.
Identifiers: ClinVar variation 2636128 (VCV002636128.3), dbSNP rs770867490, ClinGen allele CA2438269.
Genomic context (GRCh38, chr3:52,441,600, plus strand): 5'-CTTCACCCCTGCCAGTTCCAGGGGCAGGCCTCACCGTGCAAGAGACTCTGGTCAGAGTCG[G>GA]AACGCAGAGCTGGCCGAGGACCTCCACTTCGGAAGATCATGGCCTCTCGCCCCAGGAAGT-3'